The following is an entry in ClinVar:

NM_001317778.2(SFTPC):c.325-12T>G

Gene: SFTPC (surfactant protein C; plus strand). Cytogenetic location: 8p21.3.
Variant type: single nucleotide variant.
Coding change: c.325-12T>G on transcript NM_001317778.2 (MANE Select); 12 bases into the intron before coding-DNA position 325, T replaced by G.
Molecular consequence: intron variant.
Genome position (GRCh38, 1-based): chr8:22,163,424, T>G. VCF-style: chr8-22163424-T-G. GRCh37 (hg19) VCF-style: chr8-22020937-T-G.
Other names: c.325-12T>G (NM_001385655.1, NM_001385654.1, NM_001385656.1 and 8 more transcripts); c.166-12T>G (NM_001385660.1, NM_001317779.2).
Identifiers: ClinVar variation 4736172 (VCV004736172.1).

ClinVar aggregate classification (germline): Uncertain significance (1 of 4 stars; one submission).

Submission:

Labcorp Genetics (formerly Invitae), Labcorp
Classification: Uncertain significance. Last evaluated: 2026-02-01. Review status: criteria provided, single submitter. Criteria: Invitae Variant Classification Sherloc (09022015). Collection method: clinical testing. Allele origin: germline.
Comment: This sequence change falls in intron 3 of the SFTPC gene. It does not directly change the encoded amino acid sequence of the SFTPC protein. This variant is not present in population databases (gnomAD no frequency). This variant has not been reported in the literature in individuals affected with SFTPC-related conditions. Algorithms developed to predict the effect of sequence changes on RNA splicing suggest that this variant may disrupt the consensus splice site. In summary, the available evidence is currently insufficient to determine the role of this variant in disease. Therefore, it has been classified as a Variant of Uncertain Significance.